The following is an entry in ClinVar:

NM_000439.5(PCSK1):c.1268A>G (p.Asn423Ser)

Genes: CAST (calpastatin; plus strand), PCSK1 (proprotein convertase subtilisin/kexin type 1; minus strand), LOC101929710 (uncharacterized LOC101929710; plus strand). Cytogenetic location: 5q15.
Variant type: single nucleotide variant.
Coding change: c.1268A>G on transcript NM_000439.5 (MANE Select); coding-DNA position 1268, A replaced by G.
Protein change: p.Asn423Ser; replaces asparagine 423 with serine.
Molecular consequence: missense variant.
Genome position (GRCh38, 1-based): chr5:96,400,115, T>C on the plus strand (A>G on the coding strand, the complement: PCSK1 is on the minus strand). VCF-style: chr5-96400115-T-C. GRCh37 (hg19) VCF-style: chr5-95735819-T-C.
Other names: c.1127A>G, p.Asn376Ser (NM_001177875.2); short protein forms N376S, N423S.
Identifiers: ClinVar variation 2306075 (VCV002306075.4), dbSNP rs1561364344, ClinGen allele CA360479725.

ClinVar aggregate classification (germline): Uncertain significance. Review status: criteria provided, multiple submitters, no conflicts (2 of 4 stars). 3 submissions from 3 submitters: Uncertain significance (3). Last evaluated 2026-04-17.

Conditions:
PCSK1-related disorder. Also called: PCSK1-related condition.
Inborn genetic diseases. Identifiers: MedGen C0950123, MeSH D030342.

Allele frequency attached by ClinVar (database versions not stated): gnomAD exomes below 0.00001; TOPMed below 0.00001.
gnomAD v4.1: 2 of 1,614,130 alleles (0.00012%); highest among the groups gnomAD compares: African/African-American, 0.0027%; no homozygotes.

Submissions (3):

GeneDx
Classification: Uncertain significance. Last evaluated: 2026-04-17. Review status: criteria provided, single submitter. Criteria: GeneDx Variant Classification Process June 2021. Collection method: clinical testing. Allele origin: germline.
Comment: Not observed at significant frequency in large population cohorts (gnomAD); In silico analysis suggests that this missense variant does not alter protein structure/function; Has not been previously published as pathogenic or benign to our knowledge

PreventionGenetics, part of Exact Sciences
Classification: Uncertain significance for PCSK1-related condition. Last evaluated: 2024-10-18. Review status: criteria provided, single submitter. Criteria: ACMG Guidelines, 2015. Collection method: clinical testing. Allele origin: germline.
Comment: The PCSK1 c.1268A>G variant is predicted to result in the amino acid substitution p.Asn423Ser. This variant was observed in a cohort of obese individuals, and in vitro functional studies show moderate evidence of loss of function (Supplemental Data Set, Shah et al. 2023. PubMed ID: 36864747). This variant is reported in 0.0062% of alleles in individuals of African descent in gnomAD. Although we suspect that this variant may be pathogenic, at this time, the clinical significance of this variant is uncertain due to the absence of conclusive functional and genetic evidence.

Ambry Genetics
Classification: Uncertain significance for Inborn genetic diseases. Last evaluated: 2022-08-08. Review status: criteria provided, single submitter. Criteria: Ambry Variant Classification Scheme 2023. Collection method: clinical testing. Allele origin: germline.